The following is an entry in ClinVar:

NM_003924.4(PHOX2B):c.182C>T (p.Thr61Met)

Genes: PHOX2B (paired like homeobox 2B; minus strand), PHOX2B-AS1 (PHOX2B antisense RNA 1; plus strand). Cytogenetic location: 4p13.
Variant type: single nucleotide variant.
Coding change: c.182C>T on transcript NM_003924.4 (MANE Select); coding-DNA position 182, C replaced by T.
Protein change: p.Thr61Met; replaces threonine 61 with methionine.
Molecular consequence: missense variant.
Genome position (GRCh38, 1-based): chr4:41,748,429, G>A on the plus strand (C>T on the coding strand, the complement: PHOX2B is on the minus strand). VCF-style: chr4-41748429-G-A. GRCh37 (hg19) VCF-style: chr4-41750446-G-A.
Other names: short protein forms T61M.
Identifiers: ClinVar variation 1780917 (VCV001780917.2), dbSNP rs946362319, ClinGen allele CA95829670.

ClinVar aggregate classification (germline): Uncertain significance (1 of 4 stars; one submission).

Conditions:
Hereditary cancer-predisposing syndrome. Also called: Neoplastic Syndromes, Hereditary; Tumor predisposition; Hereditary Cancer Syndrome; Hereditary neoplastic syndrome. Identifiers: Orphanet 140162, MedGen C0027672, MeSH D009386, MONDO:0015356.

Submission:

Ambry Genetics
Classification: Uncertain significance for Hereditary cancer-predisposing syndrome. Last evaluated: 2020-09-30. Review status: criteria provided, single submitter. Criteria: Ambry Variant Classification Scheme 2023. Collection method: clinical testing. Allele origin: germline.
Comment: The p.T61M variant (also known as c.182C>T), located in coding exon 1 of the PHOX2B gene, results from a C to T substitution at nucleotide position 182. The threonine at codon 61 is replaced by methionine, an amino acid with similar properties. This amino acid position is well conserved in available vertebrate species. In addition, the in silico prediction for this alteration is inconclusive. Since supporting evidence is limited at this time, the clinical significance of this alteration remains unclear.